The following is an entry in ClinVar:

ClinVar aggregate classification (germline): Uncertain significance (1 of 4 stars; one submission).

Conditions:
Cardiovascular phenotype. Identifiers: MedGen CN230736.

Submission:

Ambry Genetics
Classification: Uncertain significance for Cardiovascular phenotype. Last evaluated: 2026-08-19. Review status: criteria provided, single submitter. Criteria: Ambry Variant Classification Scheme 2023. Collection method: clinical testing. Allele origin: germline.
Comment: The c.95+3A>G intronic variant results from an A to G substitution 3 nucleotides after coding exon 1 in the CACNA2D1 gene. This nucleotide position is highly conserved in available vertebrate species. In silico splice site analysis predicts that this alteration will not have any significant effect on splicing. The evidence for this gene-disease relationship is limited; therefore, the clinical significance of this variant is unclear.

NM_000722.4(CACNA2D1):c.95+3A>G

Gene: CACNA2D1 (calcium voltage-gated channel auxiliary subunit alpha2delta 1; minus strand). Cytogenetic location: 7q21.11.
Variant type: single nucleotide variant.
Coding change: c.95+3A>G on transcript NM_000722.4 (MANE Select); 3 bases into the intron after coding-DNA position 95, A replaced by G.
Molecular consequence: intron variant.
Genome position (GRCh38, 1-based): chr7:82,443,362, T>C on the plus strand (A>G on the coding strand, the complement: CACNA2D1 is on the minus strand). VCF-style: chr7-82443362-T-C. GRCh37 (hg19) VCF-style: chr7-82072678-T-C.
Other names: c.95+3A>G (NM_001366867.1, NM_001302890.2).
Identifiers: ClinVar variation 1767188 (VCV001767188.3), dbSNP rs1209027578, ClinGen allele CA575953207.